The following is an entry in ClinVar:

NM_020806.5(GPHN):c.1466A>G (p.Asp489Gly)

Gene: GPHN (gephyrin; plus strand). Cytogenetic location: 14q23.3.
Variant type: single nucleotide variant.
Coding change: c.1466A>G on transcript NM_020806.5 (MANE Select); coding-DNA position 1466, A replaced by G.
Protein change: p.Asp489Gly; replaces aspartic acid 489 with glycine.
Molecular consequence: missense variant.
Genome position (GRCh38, 1-based): chr14:67,111,913, A>G. VCF-style: chr14-67111913-A-G. GRCh37 (hg19) VCF-style: chr14-67578630-A-G.
Other names: c.1367A>G, p.Asp456Gly (NM_001024218.2); c.1526A>G, p.Asp509Gly (NM_001377514.1); c.1496A>G, p.Asp499Gly (NM_001377515.1); c.1487A>G, p.Asp496Gly (NM_001377516.1); c.1439A>G, p.Asp480Gly (NM_001377517.1); c.1424A>G, p.Asp475Gly (NM_001377518.1); c.1406A>G, p.Asp469Gly (NM_001377519.1); short protein forms D469G, D489G, D496G, D499G, D456G, D475G, D480G, D509G.
Identifiers: ClinVar variation 1512242 (VCV001512242.8), dbSNP rs757030425, ClinGen allele CA7234094.

ClinVar aggregate classification (germline): Uncertain significance (1 of 4 stars; one submission).

Conditions:
Sulfite oxidase deficiency due to molybdenum cofactor deficiency type C. Also called: Molybdenum cofactor deficiency, complementation group C; Molybdenum cofactor deficiency C. Identifiers: Orphanet 308400, Orphanet 833, MedGen C1854990, MONDO:0014212, OMIM 615501.

Allele frequency attached by ClinVar (database versions not stated): gnomAD exomes below 0.00001 and 0.00001; ExAC 0.00001.
gnomAD v4.1: 6 of 1,611,304 alleles (0.00037%); highest among the groups gnomAD compares: East Asian, 0.0022%; no homozygotes.

Submission:

Labcorp Genetics (formerly Invitae), Labcorp
Classification: Uncertain significance for Sulfite oxidase deficiency due to molybdenum cofactor deficiency type C. Last evaluated: 2023-10-06. Review status: criteria provided, single submitter. Criteria: Invitae Variant Classification Sherloc (09022015). Collection method: clinical testing. Allele origin: germline.
Comment: This sequence change replaces aspartic acid, which is acidic and polar, with glycine, which is neutral and non-polar, at codon 489 of the GPHN protein (p.Asp489Gly). This variant is present in population databases (rs757030425, gnomAD 0.0009%). This variant has not been reported in the literature in individuals affected with GPHN-related conditions. ClinVar contains an entry for this variant (Variation ID: 1512242). Advanced modeling of protein sequence and biophysical properties (such as structural, functional, and spatial information, amino acid conservation, physicochemical variation, residue mobility, and thermodynamic stability) performed at Invitae indicates that this missense variant is expected to disrupt GPHN protein function. Algorithms developed to predict the effect of sequence changes on RNA splicing suggest that this variant may disrupt the consensus splice site. In summary, the available evidence is currently insufficient to determine the role of this variant in disease. Therefore, it has been classified as a Variant of Uncertain Significance.